The following is an entry in ClinVar:

NM_000492.4(CFTR):c.3857T>G (p.Phe1286Cys)

Genes: CFTR-AS2 (CFTR antisense RNA 2; minus strand), CFTR (CF transmembrane conductance regulator; plus strand). Cytogenetic location: 7q31.2.
Variant type: single nucleotide variant.
Coding change: c.3857T>G on transcript NM_000492.4 (MANE Select); coding-DNA position 3857, T replaced by G.
Protein change: p.Phe1286Cys; replaces phenylalanine 1286 with cysteine.
Molecular consequence: missense variant.
Genome position (GRCh38, 1-based): chr7:117,642,577, T>G. VCF-style: chr7-117642577-T-G. GRCh37 (hg19) VCF-style: chr7-117282631-T-G.
Other names: short protein forms F1286C.
Identifiers: ClinVar variation 918085 (VCV000918085.7), dbSNP rs121909028, ClinGen allele CA368975550.

ClinVar aggregate classification (germline): Uncertain significance. Review status: criteria provided, multiple submitters, no conflicts (2 of 4 stars). 2 submissions from 2 submitters: Uncertain significance (2). Last evaluated 2026-01-27.

Conditions:
Cystic fibrosis (CF). Also called: MUCOVISCIDOSIS. Identifiers: Orphanet 586, MedGen C0010674, MONDO:0009061, OMIM 219700. Disease mechanism: loss of function.

Allele frequency attached by ClinVar (database versions not stated): gnomAD exomes 0.00002.
gnomAD v4.1: 26 of 1,613,434 alleles (0.0016%); highest among the groups gnomAD compares: Non-Finnish European, 0.0022%; 1 homozygote.

Submissions (2):

Ambry Genetics
Classification: Uncertain significance for Cystic fibrosis. Last evaluated: 2026-01-27. Review status: criteria provided, single submitter. Criteria: Ambry Variant Classification Scheme 2023. Collection method: clinical testing. Allele origin: germline.
Comment: The p.F1286C variant (also known as c.3857T>G), located in coding exon 23 of the CFTR gene, results from a T to G substitution at nucleotide position 3857. The phenylalanine at codon 1286 is replaced by cysteine, an amino acid with highly dissimilar properties. This variant has been identified in the homozygous state and/or in conjunction with other CFTR variant(s) in individual(s) with features consistent with cystic fibrosis (Krzyanowska P et al, Acta. Sci. Pol., Technol. Aliment. 2011;10(3):399-406; Sobczyska-Tomaszewska A et al, Eur. J. Hum. Genet. 2013 Apr; 21(4):391-6). This amino acid position is highly conserved in available vertebrate species. In addition, this alteration is predicted to be deleterious by in silico analysis. Based on the available evidence, the clinical significance of this variant remains unclear.

Women's Health and Genetics/Laboratory Corporation of America, LabCorp
Classification: Uncertain significance. Last evaluated: 2025-07-03. Review status: criteria provided, single submitter. Criteria: LabCorp Variant Classification Summary - May 2015. Collection method: clinical testing. Allele origin: germline.
Comment: Variant summary: CFTR c.3857T>G (p.Phe1286Cys) results in a non-conservative amino acid change located in the ABC transporter-like domain of the encoded protein sequence. Algorithms developed to predict the effect of missense changes on protein structure and function all suggest that this variant is likely to be disruptive. The variant was absent in 250784 control chromosomes. The available data on variant occurrences in the general population are insufficient to allow any conclusion about variant significance. c.3857T>G has been observed in at least one compound heterozygous individual affected with Cystic Fibrosis (e.g. Sobczynska-Tomaszewska_2013). These data do not allow any conclusion about variant significance. To our knowledge, no experimental evidence demonstrating an impact on protein function has been reported. The following publications has been ascertained in the context of this evaluation (PMID: 22892530). ClinVar contains an entry for this variant (Variation ID: 918085). Based on the evidence outlined above, the variant was classified as uncertain significance.

Literature cited by the submitters: PubMed 17003641 (cited by Ambry Genetics); PubMed 22892530 (cited by Ambry Genetics and Women's Health and Genetics/Laboratory Corporation of America, LabCorp).